The following is an entry in ClinVar:

ClinVar aggregate classification (germline): Uncertain significance (0 of 4 stars; one submission).

Conditions:
UBE3A-related disorder. Also called: UBE3A-related condition.

Submission:

PreventionGenetics, part of Exact Sciences
Classification: Uncertain significance for UBE3A-related condition. Last evaluated: 2024-09-11. Review status: no assertion criteria provided. Collection method: clinical testing. Allele origin: germline.
Comment: The UBE3A c.2387G>A variant is predicted to result in the amino acid substitution p.Gly796Glu. This variant has been reported as having arisen de novo in an individual with Angelman syndrome (Table S1, Du et al. 2022. PubMed ID: 36011358). This variant has not been reported in a large population database, indicating this variant is rare. Although we suspect that this variant may be pathogenic, at this time, the clinical significance of this variant is uncertain due to the absence of conclusive functional and genetic evidence.

NM_130839.5(UBE3A):c.2447G>A (p.Gly816Glu)

Genes: SNHG14 (small nucleolar RNA host gene 14; plus strand), UBE3A (ubiquitin protein ligase E3A; minus strand). Cytogenetic location: 15q11.2.
Variant type: single nucleotide variant.
Coding change: c.2447G>A on transcript NM_130839.5 (MANE Select); coding-DNA position 2447, G replaced by A.
Protein change: p.Gly816Glu; replaces glycine 816 with glutamic acid.
Molecular consequence: missense variant. On other transcripts: non-coding transcript variant (1).
Genome position (GRCh38, 1-based): chr15:25,340,136, C>T on the plus strand (G>A on the coding strand, the complement: UBE3A is on the minus strand). VCF-style: chr15-25340136-C-T. GRCh37 (hg19) VCF-style: chr15-25585283-C-T.
Other names: c.2456G>A, p.Gly819Glu (NM_000462.5); c.2447G>A, p.Gly816Glu (NM_001354505.1, NM_001354538.2); c.2387G>A, p.Gly796Glu (NM_001354506.2, NM_001354540.2, NM_001354541.2 and 14 more transcripts); c.2291G>A, p.Gly764Glu (NM_001354545.2); c.2270G>A, p.Gly757Glu (NM_001354546.2); c.2231G>A, p.Gly744Glu (NM_001354547.2, NM_001354548.2); c.2222G>A, p.Gly741Glu (NM_001354549.2); c.1196G>A, p.Gly399Glu (NM_001354550.2); and 1 more; short protein forms G379E, G399E, G741E, G744E, G757E, G764E, G796E, G816E.
Identifiers: ClinVar variation 2631492 (VCV002631492.2), dbSNP rs2552182311, ClinGen allele CA391351065.